The following is an entry in ClinVar:

ClinVar aggregate classification (germline): Uncertain significance. Review status: criteria provided, multiple submitters, no conflicts (2 of 4 stars). 4 submissions from 4 submitters: Uncertain significance (4). Last evaluated 2026-02-16.

Conditions:
Cardiovascular phenotype. Identifiers: MedGen CN230736.
TCAP-related disorder. Also called: TCAP-related condition.
Hypertrophic cardiomyopathy 25 (CMH25). Also called: CARDIOMYOPATHY, FAMILIAL HYPERTROPHIC, 25. Identifiers: MedGen C4225408, MONDO:0011843, OMIM 607487.
Primary familial hypertrophic cardiomyopathy (HCM). Identifiers: Orphanet 99739, MedGen C0949658, MeSH D024741, MONDO:0024573. Inheritance: Various modes of inheritance.

Allele frequency attached by ClinVar (database versions not stated): ExAC 0.00001; gnomAD exomes 0.00001; TOPMed 0.00002.
gnomAD v4.1: 5 of 1,607,008 alleles (0.00031%); highest among the groups gnomAD compares: Admixed American, 0.0084%; no homozygotes.

Submissions (4):

PreventionGenetics, part of Exact Sciences
Classification: Uncertain significance for TCAP-related condition. Last evaluated: 2026-02-16. Review status: criteria provided, single submitter. Criteria: ACMG Guidelines, 2015. Collection method: clinical testing. Allele origin: germline.
Comment: The TCAP c.202A>T variant is predicted to result in the amino acid substitution p.Met68Leu. To our knowledge, this variant has not been reported in the literature. This variant is reported in 0.0090% of alleles in individuals of Latino descent in gnomAD. At this time, the clinical significance of this variant is uncertain due to the absence of conclusive functional and genetic evidence.

Labcorp Genetics (formerly Invitae), Labcorp
Classification: Uncertain significance for Hypertrophic cardiomyopathy 25; Primary familial hypertrophic cardiomyopathy. Last evaluated: 2025-06-01. Review status: criteria provided, single submitter. Criteria: Invitae Variant Classification Sherloc (09022015). Collection method: clinical testing. Allele origin: germline.
Comment: This sequence change replaces methionine, which is neutral and non-polar, with leucine, which is neutral and non-polar, at codon 68 of the TCAP protein (p.Met68Leu). This variant is present in population databases (rs770133993, gnomAD 0.009%). This variant has not been reported in the literature in individuals affected with TCAP-related conditions. ClinVar contains an entry for this variant (Variation ID: 520315). An algorithm developed to predict the effect of missense changes on protein structure and function outputs the following: PolyPhen-2: "Benign". The leucine amino acid residue is found in multiple mammalian species, which suggests that this missense change does not adversely affect protein function. In summary, the available evidence is currently insufficient to determine the role of this variant in disease. Therefore, it has been classified as a Variant of Uncertain Significance.

Ambry Genetics
Classification: Uncertain significance for Cardiovascular phenotype. Last evaluated: 2024-04-25. Review status: criteria provided, single submitter. Criteria: Ambry Variant Classification Scheme 2023. Collection method: clinical testing. Allele origin: germline.
Comment: The p.M68L variant (also known as c.202A>T), located in coding exon 2 of the TCAP gene, results from an A to T substitution at nucleotide position 202. The methionine at codon 68 is replaced by leucine, an amino acid with highly similar properties. This amino acid position is poorly conserved in available vertebrate species. In addition, this alteration is predicted to be tolerated by in silico analysis. Since supporting evidence is limited at this time, the clinical significance of this alteration remains unclear.

Mayo Clinic Laboratories, Mayo Clinic
Classification: Uncertain significance. Last evaluated: 2024-04-09. Review status: criteria provided, single submitter. Criteria: ACMG Guidelines, 2015. Collection method: clinical testing. Allele origin: germline. Observed: 1 variant allele.
Comment: BP4

NM_003673.4(TCAP):c.202A>T (p.Met68Leu)

Gene: TCAP (titin-cap; plus strand). Cytogenetic location: 17q12.
Variant type: single nucleotide variant.
Coding change: c.202A>T on transcript NM_003673.4 (MANE Select); coding-DNA position 202, A replaced by T.
Protein change: p.Met68Leu; replaces methionine 68 with leucine.
Molecular consequence: missense variant.
Genome position (GRCh38, 1-based): chr17:39,665,807, A>T. VCF-style: chr17-39665807-A-T. GRCh37 (hg19) VCF-style: chr17-37822060-A-T.
Other names: p.Met68Leu; short protein forms M68L.
Identifiers: ClinVar variation 520315 (VCV000520315.18), dbSNP rs770133993, ClinGen allele CA8532876.